The following is an entry in ClinVar:

ClinVar aggregate classification (germline): Benign/Likely benign. Review status: criteria provided, multiple submitters, no conflicts (2 of 4 stars). 2 submissions from 2 submitters: Benign (1); Likely benign (1). Last evaluated 2025-12-23.

Conditions:
SCYL1-related disorder. Also called: SCYL1-related condition.

Allele frequency attached by ClinVar (database versions not stated): gnomAD 0.00003; TOPMed 0.00009; gnomAD exomes 0.00046 and 0.00093; 1000 Genomes Project 30x 0.00203; ExAC 0.00207; 1000 Genomes Project 0.00240.
gnomAD v4.1: 719 of 1,600,716 alleles (0.045%); highest among the groups gnomAD compares: South Asian, 0.76%; 5 homozygotes.

Submissions (2):

PreventionGenetics, part of Exact Sciences
Classification: Likely benign for SCYL1-related condition. Last evaluated: 2025-12-23. Review status: criteria provided, single submitter. Criteria: ACMG Guidelines, 2015. Collection method: clinical testing. Allele origin: germline.
Comment: This variant is classified as likely benign based on ACMG/AMP sequence variant interpretation guidelines (Richards et al. 2015 PMID: 25741868, with internal and published modifications).

Labcorp Genetics (formerly Invitae), Labcorp
Classification: Benign. Last evaluated: 2023-05-21. Review status: criteria provided, single submitter. Criteria: Invitae Variant Classification Sherloc (09022015). Collection method: clinical testing. Allele origin: germline.

NM_020680.4(SCYL1):c.2199C>T (p.Ser733=)

Gene: SCYL1 (SCY1 like pseudokinase 1; plus strand). Cytogenetic location: 11q13.1.
Variant type: single nucleotide variant.
Coding change: c.2199C>T on transcript NM_020680.4 (MANE Select); coding-DNA position 2199, C replaced by T.
Protein change: p.Ser733=; no amino-acid change (serine 733 retained).
Molecular consequence: synonymous variant.
Genome position (GRCh38, 1-based): chr11:65,538,134, C>T. VCF-style: chr11-65538134-C-T. GRCh37 (hg19) VCF-style: chr11-65305605-C-T.
Other names: c.2148C>T, p.Ser716= (NM_001048218.2).
Identifiers: ClinVar variation 728772 (VCV000728772.7), dbSNP rs576776296, ClinGen allele CA6100070.